The following is an entry in ClinVar:

ClinVar aggregate classification (germline): Uncertain significance (1 of 4 stars; one submission).

Allele frequency attached by ClinVar (database versions not stated): TOPMed 0.00001.
gnomAD v4.1: 2 of 1,613,176 alleles (0.00012%); highest among the groups gnomAD compares: African/African-American, 0.0027%; no homozygotes.

Submission:

Labcorp Genetics (formerly Invitae), Labcorp
Classification: Uncertain significance. Last evaluated: 2025-05-30. Review status: criteria provided, single submitter. Criteria: Invitae Variant Classification Sherloc (09022015). Collection method: clinical testing. Allele origin: germline.
Comment: This sequence change replaces alanine, which is neutral and non-polar, with threonine, which is neutral and polar, at codon 380 of the AUTS2 protein (p.Ala380Thr). This variant is not present in population databases (gnomAD no frequency). This variant has not been reported in the literature in individuals affected with AUTS2-related conditions. ClinVar contains an entry for this variant (Variation ID: 2769096). An algorithm developed to predict the effect of missense changes on protein structure and function (PolyPhen-2) suggests that this variant is likely to be tolerated. In summary, the available evidence is currently insufficient to determine the role of this variant in disease. Therefore, it has been classified as a Variant of Uncertain Significance.

NM_015570.4(AUTS2):c.1138G>A (p.Ala380Thr)

Gene: AUTS2 (activator of transcription and developmental regulator AUTS2; plus strand). Cytogenetic location: 7q11.22.
Variant type: single nucleotide variant.
Coding change: c.1138G>A on transcript NM_015570.4 (MANE Select); coding-DNA position 1138, G replaced by A.
Protein change: p.Ala380Thr; replaces alanine 380 with threonine.
Molecular consequence: missense variant.
Genome position (GRCh38, 1-based): chr7:70,763,265, G>A. VCF-style: chr7-70763265-G-A. GRCh37 (hg19) VCF-style: chr7-70228251-G-A.
Other names: c.1138G>A, p.Ala380Thr (NM_001127231.3); short protein forms A380T.
Identifiers: ClinVar variation 2769096 (VCV002769096.3), dbSNP rs1789689879, ClinGen allele CA367667920.